The following is an entry in ClinVar:

ClinVar aggregate classification (germline): Uncertain significance (1 of 4 stars; one submission).

Submission:

Labcorp Genetics (formerly Invitae), Labcorp
Classification: Uncertain significance. Last evaluated: 2024-10-20. Review status: criteria provided, single submitter. Criteria: Invitae Variant Classification Sherloc (09022015). Collection method: clinical testing. Allele origin: germline.
Comment: This sequence change replaces glutamic acid, which is acidic and polar, with lysine, which is basic and polar, at codon 227 of the CUL3 protein (p.Glu227Lys). This variant is not present in population databases (gnomAD no frequency). This variant has not been reported in the literature in individuals affected with CUL3-related conditions. Invitae Evidence Modeling of protein sequence and biophysical properties (such as structural, functional, and spatial information, amino acid conservation, physicochemical variation, residue mobility, and thermodynamic stability) has been performed for this missense variant. However, the output from this modeling did not meet the statistical confidence thresholds required to predict the impact of this variant on CUL3 protein function. In summary, the available evidence is currently insufficient to determine the role of this variant in disease. Therefore, it has been classified as a Variant of Uncertain Significance.

NM_003590.5(CUL3):c.679G>A (p.Glu227Lys)

Gene: CUL3 (cullin 3; minus strand). Cytogenetic location: 2q36.2.
Variant type: single nucleotide variant.
Coding change: c.679G>A on transcript NM_003590.5 (MANE Select); coding-DNA position 679, G replaced by A.
Protein change: p.Glu227Lys; replaces glutamic acid 227 with lysine.
Molecular consequence: missense variant.
Genome position (GRCh38, 1-based): chr2:224,511,558, C>T on the plus strand (G>A on the coding strand, the complement: CUL3 is on the minus strand). VCF-style: chr2-224511558-C-T. GRCh37 (hg19) VCF-style: chr2-225376275-C-T.
Other names: c.481G>A, p.Glu161Lys (NM_001257197.2); c.697G>A, p.Glu233Lys (NM_001257198.2); short protein forms E161K, E227K, E233K.
Identifiers: ClinVar variation 3652485 (VCV003652485.2).